The following is an entry in ClinVar:

NM_004733.4(SLC33A1):c.310G>T (p.Val104Phe)

Gene: SLC33A1 (solute carrier family 33 member 1; minus strand). Cytogenetic location: 3q25.31.
Variant type: single nucleotide variant.
Coding change: c.310G>T on transcript NM_004733.4 (MANE Select); coding-DNA position 310, G replaced by T.
Protein change: p.Val104Phe; replaces valine 104 with phenylalanine.
Molecular consequence: missense variant.
Genome position (GRCh38, 1-based): chr3:155,853,688, C>A on the plus strand (G>T on the coding strand, the complement: SLC33A1 is on the minus strand). VCF-style: chr3-155853688-C-A. GRCh37 (hg19) VCF-style: chr3-155571477-C-A.
Other names: c.310G>T, p.Val104Phe (NM_001190992.2, NM_001363883.1); short protein forms V104F.
Identifiers: ClinVar variation 4687642 (VCV004687642.1).

ClinVar aggregate classification (germline): Uncertain significance (1 of 4 stars; one submission).

gnomAD v4.1: 32 of 1,614,080 alleles (0.002%); highest among the groups gnomAD compares: Non-Finnish European, 0.0026%; no homozygotes.

Submission:

Women's Health and Genetics/Laboratory Corporation of America, LabCorp
Classification: Uncertain significance. Last evaluated: 2025-10-29. Review status: criteria provided, single submitter. Criteria: LabCorp Variant Classification Summary - May 2015. Collection method: clinical testing. Allele origin: germline.
Comment: Variant summary: SLC33A1 c.310G>T (p.Val104Phe) results in a non-conservative amino acid change in the encoded protein sequence. Algorithms developed to predict the effect of missense changes on protein structure and function are either unavailable or do not agree on the potential impact of this missense change. The variant allele was found at a frequency of 1.2e-05 in 251402 control chromosomes. The available data on variant occurrences in the general population are insufficient to allow any conclusion about variant significance. To our knowledge, no occurrence of c.310G>T in individuals affected with SLC33A1-related conditions and no experimental evidence demonstrating its impact on protein function have been reported. No submitters have cited clinical-significance assessments for this variant to ClinVar. Based on the evidence outlined above, the variant was classified as uncertain significance.